The following is an entry in ClinVar:

ClinVar aggregate classification (germline): Benign/Likely benign. Review status: criteria provided, multiple submitters, no conflicts (2 of 4 stars). 2 submissions from 2 submitters: Benign (1); Likely benign (1). Last evaluated 2026-05-01.

Allele frequency attached by ClinVar (database versions not stated): gnomAD exomes 0.00013 and 0.00021; ExAC 0.00028.
gnomAD v4.1: 204 of 1,614,038 alleles (0.013%); highest among the groups gnomAD compares: South Asian, 0.21%; 4 homozygotes.

Submissions (2):

CeGaT Center for Human Genetics Tuebingen
Classification: Likely benign. Last evaluated: 2026-05-01. Review status: criteria provided, single submitter. Criteria: CeGaT Center For Human Genetics Tuebingen Variant Classification Criteria Version 2. Collection method: clinical testing. Allele origin: germline. Affected: yes. Observed: 1 variant allele.
Comment: FAT4: BP4, BP7

Labcorp Genetics (formerly Invitae), Labcorp
Classification: Benign. Last evaluated: 2025-06-12. Review status: criteria provided, single submitter. Criteria: Invitae Variant Classification Sherloc (09022015). Collection method: clinical testing. Allele origin: germline.

NM_001291303.3(FAT4):c.12108A>G (p.Arg4036=)

Gene: FAT4 (FAT atypical cadherin 4; plus strand). Cytogenetic location: 4q28.1.
Variant type: single nucleotide variant.
Coding change: c.12108A>G on transcript NM_001291303.3 (MANE Select); coding-DNA position 12108, A replaced by G.
Protein change: p.Arg4036=; no amino-acid change (arginine 4036 retained).
Molecular consequence: synonymous variant.
Genome position (GRCh38, 1-based): chr4:125,468,714, A>G. VCF-style: chr4-125468714-A-G. GRCh37 (hg19) VCF-style: chr4-126389869-A-G.
Other names: c.12108A>G, p.Arg4036= (NM_001291285.3); c.12102A>G, p.Arg4034= (NM_024582.6).
Identifiers: ClinVar variation 1556052 (VCV001556052.10), dbSNP rs199730809, ClinGen allele CA3074011.